The following is an entry in ClinVar:

NM_006031.6(PCNT):c.800C>T (p.Ala267Val)

Gene: PCNT (pericentrin; plus strand). Cytogenetic location: 21q22.3.
Variant type: single nucleotide variant.
Coding change: c.800C>T on transcript NM_006031.6 (MANE Select); coding-DNA position 800, C replaced by T.
Protein change: p.Ala267Val; replaces alanine 267 with valine.
Molecular consequence: missense variant.
Genome position (GRCh38, 1-based): chr21:46,346,822, C>T. VCF-style: chr21-46346822-C-T. GRCh37 (hg19) VCF-style: chr21-47766736-C-T.
Other names: c.446C>T, p.Ala149Val (NM_001315529.2); short protein forms A149V, A267V.
Identifiers: ClinVar variation 3906953 (VCV003906953.1).

ClinVar aggregate classification (germline): Benign (1 of 4 stars; one submission).

Conditions:
Microcephalic osteodysplastic primordial dwarfism type II (MOPD2). Also called: Microcephalic osteodysplastic primordial dwarfism with tooth abnormalities; MOPD II; OSTEODYSPLASTIC PRIMORDIAL DWARFISM, TYPE II. Identifiers: Orphanet 2637, MedGen C0432246, MONDO:0008872, OMIM 210720.

Submission:

Dr. Orhan Ocalgiray Molecular Biology-Biotechnology and Genetics Research Centre (MOBGAM), Istanbul Technical University
Classification: Benign for Microcephalic osteodysplastic primordial dwarfism type II. Review status: criteria provided, single submitter. Criteria: ACMG Guidelines, 2015. Collection method: research. Allele origin: germline. Inheritance: Autosomal dominant inheritance. Affected: no. Observed: 1 heterozygote.
Comment: Given that the father is asymptomatic despite this genotype, we interpreted the c.800C>T (p.Ala267Val) variant as likely benign, despite its low allele frequency in the South Asian population (0.00001119), from which the family originates. Notably, three siblings who are homozygous for the two linked mutations are all affected with MOPD2, with varying severity, further supporting the pathogenicity of the linked variant haplotype.